The following is an entry in ClinVar:

NM_020163.3(SEMA3G):c.690C>T (p.Ala230=)

Gene: SEMA3G (semaphorin 3G; minus strand). Cytogenetic location: 3p21.1.
Variant type: single nucleotide variant.
Coding change: c.690C>T on transcript NM_020163.3 (MANE Select); coding-DNA position 690, C replaced by T.
Protein change: p.Ala230=; no amino-acid change (alanine 230 retained).
Molecular consequence: synonymous variant.
Genome position (GRCh38, 1-based): chr3:52,441,387, G>A on the plus strand (C>T on the coding strand, the complement: SEMA3G is on the minus strand). VCF-style: chr3-52441387-G-A. GRCh37 (hg19) VCF-style: chr3-52475403-G-A.
Identifiers: ClinVar variation 3031811 (VCV003031811.2), dbSNP rs767337889, ClinGen allele CA2438237.

ClinVar aggregate classification (germline): Likely benign (0 of 4 stars; one submission).

Conditions:
SEMA3G-related disorder. Also called: SEMA3G-related condition.

Allele frequency attached by ClinVar (database versions not stated): gnomAD 0.00001; ExAC 0.00005; gnomAD exomes 0.00005; TOPMed 0.00008.
gnomAD v4.1: 35 of 1,613,722 alleles (0.0022%); highest among the groups gnomAD compares: Admixed American, 0.048%; no homozygotes.

Submission:

PreventionGenetics, part of Exact Sciences
Classification: Likely benign for SEMA3G-related condition. Last evaluated: 2021-06-01. Review status: no assertion criteria provided. Collection method: clinical testing. Allele origin: germline.
Comment: This variant is classified as likely benign based on ACMG/AMP sequence variant interpretation guidelines (Richards et al. 2015 PMID: 25741868, with internal and published modifications).